The following is an entry in ClinVar:

ClinVar aggregate classification (germline): Pathogenic (0 of 4 stars; one submission).

Submission:

GenMed Metabolism Lab
Classification: Pathogenic. Review status: no assertion criteria provided. Collection method: not provided. Allele origin: unknown.
ClinVar note: Converted during submission from pathogenic to Pathogenic.

NM_000531.6(OTC):c.78-3C>G

Gene: OTC (ornithine transcarbamylase; plus strand). Cytogenetic location: Xp11.4.
Variant type: single nucleotide variant.
Coding change: c.78-3C>G on transcript NM_000531.6 (MANE Select); 3 bases into the intron before coding-DNA position 78, C replaced by G.
Molecular consequence: intron variant.
Genome position (GRCh38, 1-based): chrX:38,367,288, C>G. VCF-style: chrX-38367288-C-G. GRCh37 (hg19) VCF-style: chrX-38226541-C-G.
Identifiers: ClinVar variation 97321 (VCV000097321.2), dbSNP rs72554303, ClinGen allele CA224783.